The following is an entry in ClinVar:

NM_005431.2(XRCC2):c.490_491del (p.Glu164fs)

Gene: XRCC2 (X-ray repair cross complementing 2; minus strand). Cytogenetic location: 7q36.1.
Variant type: Microsatellite.
Coding change: c.490_491del on transcript NM_005431.2 (MANE Select); coding-DNA positions 490 to 491, 2 bases deleted (GA; older notation c.490_491delGA).
Protein change: p.Glu164fs; shifts the reading frame from glutamic acid 164.
Molecular consequence: frameshift variant.
Genome position (GRCh38, 1-based): chr7:152,648,994-152,648,995, TC deleted on the plus strand (GA on the coding strand, the reverse complement: XRCC2 is on the minus strand); deleting any 2 consecutive bases within chr7:152,648,994-152,648,997 gives the same sequence; the c. name uses the placement nearest the transcript's 3' end. VCF-style (leftmost placement, unchanged base first): chr7-152648993-TTC-T. GRCh37 (hg19) VCF-style: chr7-152346078-TTC-T.
Other names: short protein forms E164fs.
Identifiers: ClinVar variation 825274 (VCV000825274.4), dbSNP rs1590129487, ClinGen allele CA915945588.

ClinVar aggregate classification (germline): Likely pathogenic (1 of 4 stars; one submission).

Conditions:
Hereditary cancer-predisposing syndrome. Also called: Neoplastic Syndromes, Hereditary; Tumor predisposition; Hereditary neoplastic syndrome; Hereditary Cancer Syndrome. Identifiers: Orphanet 140162, MedGen C0027672, MeSH D009386, MONDO:0015356.

Submission:

Ambry Genetics
Classification: Likely pathogenic for Hereditary cancer-predisposing syndrome. Last evaluated: 2019-04-19. Review status: criteria provided, single submitter. Criteria: Ambry Variant Classification Scheme 2023. Collection method: clinical testing. Allele origin: germline.
Comment: The c.490_491delGA variant, located in coding exon 3 of the XRCC2 gene, results from a deletion of two nucleotides at nucleotide positions 490 to 491, causing a translational frameshift with a predicted alternate stop codon (p.E164Kfs*22). Frameshifts are typically deleterious in nature, however, this frameshift occurs at the 3' terminus of XRCC2, is not expected to trigger nonsense-mediated mRNA decay, and impacts only the last 117 amino acids of the protein. The exact functional impact of these altered amino acids is unknown at this time. Based on the majority of available evidence to date, this variant is likely to be pathogenic.